The following is an entry in ClinVar:

ClinVar aggregate classification (germline): Uncertain significance. Review status: criteria provided, multiple submitters, no conflicts (2 of 4 stars). 2 submissions from 2 submitters: Uncertain significance (2). Last evaluated 2024-10-29.

Conditions:
Inborn genetic diseases. Identifiers: MedGen C0950123, MeSH D030342.
3-methylglutaconic aciduria type 1 (MGCA1). Identifiers: Orphanet 67046, MedGen C0342727, MONDO:0009610, OMIM 250950.

Allele frequency attached by ClinVar (database versions not stated): ExAC 0.00007.

Submissions (2):

Labcorp Genetics (formerly Invitae), Labcorp
Classification: Uncertain significance for 3-methylglutaconic aciduria type 1. Last evaluated: 2024-10-29. Review status: criteria provided, single submitter. Criteria: Invitae Variant Classification Sherloc (09022015). Collection method: clinical testing. Allele origin: germline.
Comment: This sequence change replaces lysine, which is basic and polar, with arginine, which is basic and polar, at codon 270 of the AUH protein (p.Lys270Arg). This variant is present in population databases (rs745769060, gnomAD 0.09%). This variant has not been reported in the literature in individuals affected with AUH-related conditions. ClinVar contains an entry for this variant (Variation ID: 2151589). Invitae Evidence Modeling of protein sequence and biophysical properties (such as structural, functional, and spatial information, amino acid conservation, physicochemical variation, residue mobility, and thermodynamic stability) indicates that this missense variant is not expected to disrupt AUH protein function with a negative predictive value of 80%. In summary, the available evidence is currently insufficient to determine the role of this variant in disease. Therefore, it has been classified as a Variant of Uncertain Significance.

Ambry Genetics
Classification: Uncertain significance for Inborn genetic diseases. Last evaluated: 2023-10-25. Review status: criteria provided, single submitter. Criteria: Ambry Variant Classification Scheme 2023. Collection method: clinical testing. Allele origin: germline.

NM_001698.3(AUH):c.809A>G (p.Lys270Arg)

Gene: AUH (AU RNA binding methylglutaconyl-CoA hydratase; minus strand). Cytogenetic location: 9q22.31.
Variant type: single nucleotide variant.
Coding change: c.809A>G on transcript NM_001698.3 (MANE Select); coding-DNA position 809, A replaced by G.
Protein change: p.Lys270Arg; replaces lysine 270 with arginine.
Molecular consequence: missense variant.
Genome position (GRCh38, 1-based): chr9:91,220,839, T>C on the plus strand (A>G on the coding strand, the complement: AUH is on the minus strand). VCF-style: chr9-91220839-T-C. GRCh37 (hg19) VCF-style: chr9-93983121-T-C.
Other names: c.722A>G, p.Lys241Arg (NM_001306190.2); c.482A>G, p.Lys161Arg (NM_001351431.2, NM_001351432.2, NM_001351433.2); short protein forms K270R, K161R, K241R.
Identifiers: ClinVar variation 2151589 (VCV002151589.5), dbSNP rs745769060, ClinGen allele CA5119733.
Genomic context (GRCh38, chr9:91,220,839, plus strand): 5'-AAATAAACTCATTTAATGAGAAATACCTGAGGTAAAAACTCTCTCGCCAGGTCCAAGGCC[T>C]TCCTGTAGGCCGCGTCTCCCTCCTGGTTCTGTTCCAGAACGTGGCTGATTAAGCCCACTG-3'
Protein context (NP_001689.1, residues 260-280): QNQEGDAAYR[Lys270Arg]ALDLAREFLP